The following is an entry in ClinVar:

ClinVar aggregate classification (germline): Uncertain significance (1 of 4 stars; one submission).

gnomAD v4.1: 3 of 1,538,636 alleles (0.00019%); highest among the groups gnomAD compares: East Asian, 0.0024%; no homozygotes.

Submission:

Labcorp Genetics (formerly Invitae), Labcorp
Classification: Uncertain significance. Last evaluated: 2021-11-17. Review status: criteria provided, single submitter. Criteria: Invitae Variant Classification Sherloc (09022015). Collection method: clinical testing. Allele origin: germline.
Comment: This variant is not present in population databases (gnomAD no frequency). In summary, the available evidence is currently insufficient to determine the role of this variant in disease. Therefore, it has been classified as a Variant of Uncertain Significance. Experimental studies and prediction algorithms are not available or were not evaluated, and the functional significance of this variant is currently unknown. This variant has not been reported in the literature in individuals affected with COL18A1-related conditions. This sequence change replaces arginine, which is basic and polar, with proline, which is neutral and non-polar, at codon 1102 of the COL18A1 protein (p.Arg1102Pro).

NM_001379500.1(COL18A1):c.3314G>C (p.Arg1105Pro)

Genes: COL18A1 (collagen type XVIII alpha 1 chain; plus strand), SLC19A1 (solute carrier family 19 member 1; minus strand). Cytogenetic location: 21q22.3.
Variant type: single nucleotide variant.
Coding change: c.3314G>C on transcript NM_001379500.1 (MANE Select); coding-DNA position 3314, G replaced by C.
Protein change: p.Arg1105Pro; replaces arginine 1105 with proline.
Molecular consequence: missense variant.
Genome position (GRCh38, 1-based): chr21:45,509,420, G>C. VCF-style: chr21-45509420-G-C. GRCh37 (hg19) VCF-style: chr21-46929334-G-C.
Other names: c.3845G>C, p.Arg1282Pro (NM_030582.4); c.4550G>C, p.Arg1517Pro (NM_130444.3); short protein forms R1517P, R1282P, R1105P.
Identifiers: ClinVar variation 1388723 (VCV001388723.6), dbSNP rs374207420, ClinGen allele CA410500724.